The following is an entry in ClinVar:

NM_001040108.2(MLH3):c.295A>G (p.Asn99Asp)

Gene: MLH3 (mutL homolog 3; minus strand). Cytogenetic location: 14q24.3.
Variant type: single nucleotide variant.
Coding change: c.295A>G on transcript NM_001040108.2 (MANE Select); coding-DNA position 295, A replaced by G.
Protein change: p.Asn99Asp; replaces asparagine 99 with aspartic acid.
Molecular consequence: missense variant.
Genome position (GRCh38, 1-based): chr14:75,049,361, T>C on the plus strand (A>G on the coding strand, the complement: MLH3 is on the minus strand). VCF-style: chr14-75049361-T-C. GRCh37 (hg19) VCF-style: chr14-75516064-T-C.
Other names: c.295A>G, p.Asn99Asp (NM_014381.3); short protein forms N99D.
Identifiers: ClinVar variation 1798143 (VCV001798143.3), dbSNP rs2503332020, ClinGen allele CA390451113.

ClinVar aggregate classification (germline): Uncertain significance (1 of 4 stars; one submission).

Submission:

Ambry Genetics
Classification: Uncertain significance. Last evaluated: 2025-03-03. Review status: criteria provided, single submitter. Criteria: Ambry Variant Classification Scheme 2023. Collection method: clinical testing. Allele origin: germline.
Comment: The p.N99D variant (also known as c.295A>G), located in coding exon 1 of the MLH3 gene, results from an A to G substitution at nucleotide position 295. The asparagine at codon 99 is replaced by aspartic acid, an amino acid with highly similar properties. This amino acid position is conserved. In addition, the in silico prediction for this alteration is inconclusive. Since supporting evidence is limited at this time, the clinical significance of this alteration remains unclear.